The following is an entry in ClinVar:

ClinVar aggregate classification (germline): Uncertain significance (1 of 4 stars; one submission).

Conditions:
Multiple gastrointestinal atresias. Also called: FAMILIAL INTESTINAL POLYATRESIA SYNDROME; Multiple intestinal atresia. Identifiers: Orphanet 2300, MedGen C0220744, MONDO:0009465.

gnomAD v4.1: 69 of 1,613,888 alleles (0.0043%); highest among the groups gnomAD compares: Non-Finnish European, 0.0057%; 1 homozygote.

Submission:

Labcorp Genetics (formerly Invitae), Labcorp
Classification: Uncertain significance for Multiple gastrointestinal atresias. Last evaluated: 2021-11-12. Review status: criteria provided, single submitter. Criteria: Invitae Variant Classification Sherloc (09022015). Collection method: clinical testing. Allele origin: germline.
Comment: In summary, the available evidence is currently insufficient to determine the role of this variant in disease. Therefore, it has been classified as a Variant of Uncertain Significance. Algorithms developed to predict the effect of missense changes on protein structure and function are either unavailable or do not agree on the potential impact of this missense change (SIFT: "Deleterious"; PolyPhen-2: "Probably Damaging"; Align-GVGD: "Class C0"). This variant has not been reported in the literature in individuals affected with TTC7A-related conditions. This variant is present in population databases (rs146719089, gnomAD 0.004%). This sequence change replaces tyrosine, which is neutral and polar, with serine, which is neutral and polar, at codon 300 of the TTC7A protein (p.Tyr300Ser).

NM_020458.4(TTC7A):c.899A>C (p.Tyr300Ser)

Gene: TTC7A (tetratricopeptide repeat domain 7A; plus strand). Cytogenetic location: 2p21.
Variant type: single nucleotide variant.
Coding change: c.899A>C on transcript NM_020458.4 (MANE Select); coding-DNA position 899, A replaced by C.
Protein change: p.Tyr300Ser; replaces tyrosine 300 with serine.
Molecular consequence: missense variant. On other transcripts: intron variant (1).
Genome position (GRCh38, 1-based): chr2:46,994,412, A>C. VCF-style: chr2-46994412-A-C. GRCh37 (hg19) VCF-style: chr2-47221551-A-C.
Other names: c.899A>C, p.Tyr300Ser (NM_001288951.2); c.797A>C, p.Tyr266Ser (NM_001288953.2); c.-61-724A>C (NM_001288955.2); short protein forms Y266S, Y300S.
Identifiers: ClinVar variation 1483748 (VCV001483748.7), dbSNP rs146719089, ClinGen allele CA1647406.